The following is an entry in ClinVar:

NM_000261.2(MYOC):c.375del (p.Arg125fs)

Gene: MYOC (myocilin; minus strand). Cytogenetic location: 1q24.3.
Variant type: Deletion.
Coding change: c.375del on transcript NM_000261.2 (MANE Select); coding-DNA position 375, one base deleted (G; older notation c.375delG).
Protein change: p.Arg125fs; shifts the reading frame from arginine 125.
Molecular consequence: frameshift variant.
Genome position (GRCh38, 1-based): chr1:171,652,237, C deleted on the plus strand (G on the coding strand, the reverse complement: MYOC is on the minus strand); the first of 2 consecutive C bases (chr1:171,652,237-171,652,238); deleting either gives the same sequence. VCF-style (leftmost placement, unchanged base first): chr1-171652236-GC-G. GRCh37 (hg19) VCF-style: chr1-171621376-GC-G.
Other names: NM_000261.2:c.375del; short protein forms R125fs.
Identifiers: ClinVar variation 2442263 (VCV002442263.2), dbSNP rs2527873390, ClinGen allele CA1139770890.

ClinVar aggregate classification (germline): Uncertain significance (3 of 4 stars; one submission).

Conditions:
Open-angle glaucoma. Identifiers: MedGen C0017612, MONDO:0005338, HP:0012108.

Submission:

ClinGen Glaucoma Variant Curation Expert Panel
Classification: Uncertain significance for Open-angle glaucoma. Last evaluated: 2025-11-12. Review status: reviewed by expert panel. Criteria: ClinGen Glaucoma ACMG Specifications V2.0.0 Approved. Collection method: curation. Allele origin: germline. Inheritance: Autosomal dominant inheritance.
Comment: The c.375del variant in MYOC is a deletion of a single nucleotide, predicted to encode a frameshift with consequent premature termination of the protein at codon 35 of the frameshift, or amino acid 159 (p.Arg125SerfsTer35). Truncation of this protein occurs outside of the conserved olfactomedin domain, which did not meet PM4. PVS1 did not apply, as the disease mechanism for MYOC variants associated with primary open angle glaucoma is not loss-of-function. The highest minor allele frequency of this variant was in the South Asian genetic ancestry group of gnomAD (v4.1.0) = 0.00001098 (1 allele out of 91,068), which met the ≤ 0.0001 threshold set for PM2_Supporting in a genetic ancestry group of at least 10,000 alleles. There was no computational or functional evidence predicting a damaging or benign impact of this variant on MYOC function. Only 1 proband with primary open angle glaucoma had been reported (PMID: 22736945), not meeting the ≥ 2 probands threshold required to meet PS4_Supporting. In summary, this variant met the criteria to receive a score of 1 and to be classified as a variant of uncertain significance (uncertain significance classification range -1 to 5, adapted from PMID: 32720330) for primary open angle glaucoma based on the ACMG/AMP criteria met, as specified by the ClinGen Glaucoma VCEP (v2.0.0, 5 Dec 2024): PM2_Supporting.